The following is an entry in ClinVar:

ClinVar aggregate classification (germline): Uncertain significance (1 of 4 stars; one submission).

Allele frequency attached by ClinVar (database versions not stated): gnomAD exomes 0.00001.

Submission:

Labcorp Genetics (formerly Invitae), Labcorp
Classification: Uncertain significance. Last evaluated: 2021-12-02. Review status: criteria provided, single submitter. Criteria: Invitae Variant Classification Sherloc (09022015). Collection method: clinical testing. Allele origin: germline.
Comment: This sequence change replaces threonine, which is neutral and polar, with isoleucine, which is neutral and non-polar, at codon 1576 of the SON protein (p.Thr1576Ile). In summary, the available evidence is currently insufficient to determine the role of this variant in disease. Therefore, it has been classified as a Variant of Uncertain Significance. Algorithms developed to predict the effect of missense changes on protein structure and function output the following: SIFT: "Tolerated"; PolyPhen-2: "Probably Damaging"; Align-GVGD: "Class C0". The isoleucine amino acid residue is found in multiple mammalian species, which suggests that this missense change does not adversely affect protein function. This variant has not been reported in the literature in individuals affected with SON-related conditions. This variant is present in population databases (no rsID available, gnomAD 0.0009%).

NM_138927.4(SON):c.4727C>T (p.Thr1576Ile)

Gene: SON (SON DNA and RNA binding protein; plus strand). Cytogenetic location: 21q22.11.
Variant type: single nucleotide variant.
Coding change: c.4727C>T on transcript NM_138927.4 (MANE Select); coding-DNA position 4727, C replaced by T.
Protein change: p.Thr1576Ile; replaces threonine 1576 with isoleucine.
Molecular consequence: missense variant. On other transcripts: non-coding transcript variant (1), intron variant (1).
Genome position (GRCh38, 1-based): chr21:33,553,958, C>T. VCF-style: chr21-33553958-C-T. GRCh37 (hg19) VCF-style: chr21-34926264-C-T.
Other names: c.4727C>T, p.Thr1576Ile (NM_001291411.2, NM_032195.3); c.245-3198C>T (NM_001291412.3); short protein forms T1576I.
Identifiers: ClinVar variation 1386077 (VCV001386077.6), dbSNP rs771639490, ClinGen allele CA410163256.